The following is an entry in ClinVar:

ClinVar aggregate classification (germline): Benign/Likely benign. Review status: criteria provided, multiple submitters, no conflicts (2 of 4 stars). 7 submissions from 7 submitters: Benign (1); Likely benign (4). 2 of the submissions do not count toward it. Last evaluated 2026-01-25.

Conditions:
Leber congenital amaurosis 17 (LCA17). Identifiers: Orphanet 65, MedGen C3715164, MONDO:0014145, OMIM 615360.
Isolated microphthalmia 4. Identifiers: Orphanet 2542, MedGen C2751307, MONDO:0013130, OMIM 613094.
Multiple synostoses syndrome 4. Identifiers: MedGen C4693531, MONDO:0054752, OMIM 617898.
Klippel-Feil syndrome 1, autosomal dominant (KFS1). Also called: CERVICAL VERTEBRAL FUSION, AUTOSOMAL DOMINANT. Identifiers: Orphanet 2345, MedGen C1861689, MONDO:0007306, OMIM 118100.
Microphthalmia, isolated, with coloboma 6 (MCOPCB6). Also called: Microphthalmia with coloboma 6, digenic; Microphthalmia with coloboma 6; MICROPHTHALMIA/COLOBOMA 6. Identifiers: Orphanet 98938, MedGen C3150968, MONDO:0013376, OMIM 613703.

Allele frequency attached by ClinVar (database versions not stated): gnomAD exomes 0.00045 and 0.00138; ExAC 0.00146; 1000 Genomes Project 30x 0.00297; gnomAD 0.00345 and 0.00366; 1000 Genomes Project 0.00359; ESP Exome Variant Server 0.00408; TOPMed 0.00421.

Submissions (7):

Labcorp Genetics (formerly Invitae), Labcorp
Classification: Benign for Isolated microphthalmia 4; Leber congenital amaurosis 17; Klippel-Feil syndrome 1, autosomal dominant; Microphthalmia, isolated, with coloboma 6. Last evaluated: 2026-01-25. Review status: criteria provided, single submitter. Criteria: Invitae Variant Classification Sherloc (09022015). Collection method: clinical testing. Allele origin: germline.

Blueprint Genetics
Classification: Likely benign. Last evaluated: 2024-11-26. Review status: criteria provided, single submitter. Criteria: ACMG Guidelines, 2015. Collection method: clinical testing. Allele origin: germline.

Fulgent Genetics
Classification: Likely benign for Klippel-Feil syndrome 1, autosomal dominant; Isolated microphthalmia 4; Microphthalmia, isolated, with coloboma 6; Leber congenital amaurosis 17; Multiple synostoses syndrome 4. Last evaluated: 2022-01-18. Review status: criteria provided, single submitter. Criteria: ACMG Guidelines, 2015. Collection method: clinical testing. Allele origin: unknown.

Illumina Laboratory Services, Illumina
Classification: Likely benign for Klippel-Feil syndrome 1, autosomal dominant. Last evaluated: 2017-04-27. Review status: criteria provided, single submitter. Criteria: ICSL Variant Classification Criteria 13 December 2019. Collection method: clinical testing. Allele origin: germline.
Comment: This variant was observed as part of a predisposition screen in an ostensibly healthy population. A literature search was performed for the gene, cDNA change, and amino acid change (where applicable). Publications were found based on this search. The evidence from the literature, in combination with allele frequency data from public databases where available, was sufficient to determine this variant is unlikely to cause disease. Therefore, this variant is classified as likely benign.

PreventionGenetics, part of Exact Sciences
Classification: Likely benign. Review status: criteria provided, single submitter. Criteria: ACMG Guidelines, 2015. Collection method: clinical testing. Allele origin: germline.

Clinical Genetics DNA and cytogenetics Diagnostics Lab, Erasmus MC, Erasmus Medical Center
Classification: Benign. Review status: no assertion criteria provided. Collection method: clinical testing. Allele origin: germline. Affected: yes. Study: VKGL Data-share Consensus. Not counted in ClinVar's aggregate classification.

Clinical Genetics, Academic Medical Center
Classification: Benign. Review status: no assertion criteria provided. Collection method: clinical testing. Allele origin: germline. Affected: yes. Study: VKGL Data-share Consensus. Not counted in ClinVar's aggregate classification.

Literature cited by the submitters: PubMed 20057906 (cited by Illumina Laboratory Services, Illumina).

NM_001001557.4(GDF6):c.255G>T (p.Pro85=)

Gene: GDF6 (growth differentiation factor 6; minus strand). Cytogenetic location: 8q22.1.
Variant type: single nucleotide variant.
Coding change: c.255G>T on transcript NM_001001557.4 (MANE Select); coding-DNA position 255, G replaced by T.
Protein change: p.Pro85=; no amino-acid change (proline 85 retained).
Molecular consequence: synonymous variant.
Genome position (GRCh38, 1-based): chr8:96,160,438, C>A on the plus strand (G>T on the coding strand, the complement: GDF6 is on the minus strand). VCF-style: chr8-96160438-C-A. GRCh37 (hg19) VCF-style: chr8-97172666-C-A.
Identifiers: ClinVar variation 256847 (VCV000256847.21), dbSNP rs112296824, ClinGen allele CA4815517.